The following is an entry in ClinVar:

NM_001378454.1(ALMS1):c.8233G>T (p.Ala2745Ser)

Gene: ALMS1 (ALMS1 centrosome and basal body associated protein; plus strand). Cytogenetic location: 2p13.1.
Variant type: single nucleotide variant.
Coding change: c.8233G>T on transcript NM_001378454.1 (MANE Select); coding-DNA position 8233, G replaced by T.
Protein change: p.Ala2745Ser; replaces alanine 2745 with serine.
Molecular consequence: missense variant.
Genome position (GRCh38, 1-based): chr2:73,490,192, G>T. VCF-style: chr2-73490192-G-T. GRCh37 (hg19) VCF-style: chr2-73717319-G-T.
Other names: c.8236G>T, p.Ala2746Ser (NM_015120.4); short protein forms A2745S, A2746S.
Identifiers: ClinVar variation 4982718 (VCV004982718.1).

ClinVar aggregate classification (germline): Uncertain significance (1 of 4 stars; one submission).

Conditions:
ALMS1-related disorder. Also called: ALMS1-related condition.

gnomAD v4.1: 1 of 1,614,164 alleles (0.000062%); highest among the groups gnomAD compares: Non-Finnish European, 0.000085%; no homozygotes.

Submission:

PreventionGenetics, part of Exact Sciences
Classification: Uncertain significance for ALMS1-related condition. Last evaluated: 2026-02-12. Review status: criteria provided, single submitter. Criteria: ACMG Guidelines, 2015. Collection method: clinical testing. Allele origin: germline.
Comment: The ALMS1 c.8236G>T variant is predicted to result in the amino acid substitution p.Val2746Leu. To our knowledge, this variant has not been reported in the literature or in a large population database, indicating this variant is rare. At this time, the clinical significance of this variant is uncertain due to the absence of conclusive functional and genetic evidence.